The following is an entry in ClinVar:

NM_024422.6(DSC2):c.1840_1841dup (p.Ser614fs)

Gene: DSC2 (desmocollin 2; minus strand). Cytogenetic location: 18q12.1.
Variant type: Microsatellite.
Coding change: c.1840_1841dup on transcript NM_024422.6 (MANE Select); coding-DNA positions 1840 to 1841, 2 bases duplicated (AG; older notation c.1840_1841dupAG).
Protein change: p.Ser614fs; shifts the reading frame from serine 614.
Molecular consequence: frameshift variant.
Genome position (GRCh38, 1-based): chr18:31,074,730-31,074,731, CT duplicated on the plus strand (AG on the coding strand, the reverse complement: DSC2 is on the minus strand); duplicating any 2 consecutive bases within chr18:31,074,730-31,074,734 gives the same sequence; the c. name uses the placement nearest the transcript's 3' end. VCF-style (leftmost placement, unchanged base first): chr18-31074729-A-ACT. GRCh37 (hg19) VCF-style: chr18-28654695-A-ACT.
Other names: c.1840_1841dup, p.Ser614fs (NM_004949.5); short protein forms S614fs.
Identifiers: ClinVar variation 1455627 (VCV001455627.6), dbSNP rs2144799555, ClinGen allele CA2580612965.

ClinVar aggregate classification (germline): Pathogenic (1 of 4 stars; one submission).

Conditions:
Arrhythmogenic right ventricular dysplasia 11. Also called: Arrhythmogenic right ventricular dysplasia 11 with mild palmoplantar keratoderma and woolly hair; Arrhythmogenic Right Ventricular Dysplasia/Cardiomyopathy11; ARRHYTHMOGENIC RIGHT VENTRICULAR DYSPLASIA, FAMILIAL, 11. Identifiers: MedGen C1864850, MONDO:0012506, OMIM 610476.

Submission:

Labcorp Genetics (formerly Invitae), Labcorp
Classification: Pathogenic for Arrhythmogenic right ventricular dysplasia 11. Last evaluated: 2021-07-31. Review status: criteria provided, single submitter. Criteria: Invitae Variant Classification Sherloc (09022015). Collection method: clinical testing. Allele origin: germline.
Comment: For these reasons, this variant has been classified as Pathogenic. This variant has not been reported in the literature in individuals with DSC2-related conditions. This variant is not present in population databases (ExAC no frequency). This sequence change creates a premature translational stop signal (p.Ser614Argfs*13) in the DSC2 gene. It is expected to result in an absent or disrupted protein product. Loss-of-function variants in DSC2 are known to be pathogenic (PMID: 23911551).

Literature cited by the submitters: PubMed 23911551.